The following is an entry in ClinVar:

NM_002439.5(MSH3):c.1696C>A (p.His566Asn)

Gene: MSH3 (mutS homolog 3; plus strand). Cytogenetic location: 5q14.1.
Variant type: single nucleotide variant.
Coding change: c.1696C>A on transcript NM_002439.5 (MANE Select); coding-DNA position 1696, C replaced by A.
Protein change: p.His566Asn; replaces histidine 566 with asparagine.
Molecular consequence: missense variant.
Genome position (GRCh38, 1-based): chr5:80,744,548, C>A. VCF-style: chr5-80744548-C-A. GRCh37 (hg19) VCF-style: chr5-80040367-C-A.
Other names: short protein forms H566N.
Identifiers: ClinVar variation 3669370 (VCV003669370.2).

ClinVar aggregate classification (germline): Uncertain significance (1 of 4 stars; one submission).

Submission:

Labcorp Genetics (formerly Invitae), Labcorp
Classification: Uncertain significance. Last evaluated: 2024-10-28. Review status: criteria provided, single submitter. Criteria: Invitae Variant Classification Sherloc (09022015). Collection method: clinical testing. Allele origin: germline.
Comment: This sequence change replaces histidine, which is basic and polar, with asparagine, which is neutral and polar, at codon 566 of the MSH3 protein (p.His566Asn). This variant is not present in population databases (gnomAD no frequency). This variant has not been reported in the literature in individuals affected with MSH3-related conditions. An algorithm developed to predict the effect of missense changes on protein structure and function (PolyPhen-2) suggests that this variant is likely to be disruptive. In summary, the available evidence is currently insufficient to determine the role of this variant in disease. Therefore, it has been classified as a Variant of Uncertain Significance.